The following is an entry in ClinVar:

ClinVar aggregate classification (germline): Uncertain significance (1 of 4 stars; one submission).

Submission:

Labcorp Genetics (formerly Invitae), Labcorp
Classification: Uncertain significance. Last evaluated: 2024-03-20. Review status: criteria provided, single submitter. Criteria: Invitae Variant Classification Sherloc (09022015). Collection method: clinical testing. Allele origin: germline.
Comment: This sequence change replaces isoleucine, which is neutral and non-polar, with valine, which is neutral and non-polar, at codon 228 of the CETP protein (p.Ile228Val). This variant is present in population databases (no rsID available, gnomAD 0.0009%). This variant has not been reported in the literature in individuals affected with CETP-related conditions. Advanced modeling of protein sequence and biophysical properties (such as structural, functional, and spatial information, amino acid conservation, physicochemical variation, residue mobility, and thermodynamic stability) has been performed at Invitae for this missense variant, however the output from this modeling did not meet the statistical confidence thresholds required to predict the impact of this variant on CETP protein function. In summary, the available evidence is currently insufficient to determine the role of this variant in disease. Therefore, it has been classified as a Variant of Uncertain Significance.

NM_000078.3(CETP):c.682A>G (p.Ile228Val)

Gene: CETP (cholesteryl ester transfer protein; plus strand). Cytogenetic location: 16q13.
Variant type: single nucleotide variant.
Coding change: c.682A>G on transcript NM_000078.3 (MANE Select); coding-DNA position 682, A replaced by G.
Protein change: p.Ile228Val; replaces isoleucine 228 with valine.
Molecular consequence: missense variant.
Genome position (GRCh38, 1-based): chr16:56,972,015, A>G. VCF-style: chr16-56972015-A-G. GRCh37 (hg19) VCF-style: chr16-57005927-A-G.
Other names: c.682A>G, p.Ile228Val (NM_001286085.2); short protein forms I228V.
Identifiers: ClinVar variation 3645464 (VCV003645464.2).